The following is an entry in ClinVar:

NM_000059.4(BRCA2):c.1390G>C (p.Val464Leu)

Gene: BRCA2 (BRCA2 DNA repair associated; plus strand). Cytogenetic location: 13q13.1.
Variant type: single nucleotide variant.
Coding change: c.1390G>C on transcript NM_000059.4 (MANE Select); coding-DNA position 1390, G replaced by C.
Protein change: p.Val464Leu; replaces valine 464 with leucine.
Molecular consequence: missense variant. On other transcripts: non-coding transcript variant (1), intron variant (1).
Genome position (GRCh38, 1-based): chr13:32,332,868, G>C. VCF-style: chr13-32332868-G-C. GRCh37 (hg19) VCF-style: chr13-32907005-G-C.
Other names: c.1390G>C, p.Val464Leu (NM_001406719.1, NM_001406720.1, NM_001406721.1 and 1 more transcripts); c.424+1838G>C (NM_001406722.1); short protein forms V464L.
Identifiers: ClinVar variation 3636421 (VCV003636421.2).

ClinVar aggregate classification (germline): Uncertain significance (1 of 4 stars; one submission).

Conditions:
Hereditary breast ovarian cancer syndrome. Also called: Hereditary breast and ovarian cancer syndrome; Hereditary breast and ovarian cancer syndrome (HBOC); BRCA1- and BRCA2-Associated Hereditary Breast and Ovarian Cancer; Hereditary breast and ovarian cancer; Breast and ovarian cancer; Hereditary breast and/or ovarian cancer syndrome. Identifiers: Orphanet 145, MedGen C0677776, MeSH D061325, MONDO:0003582. Disease mechanism: loss of function.

Submission:

Labcorp Genetics (formerly Invitae), Labcorp
Classification: Uncertain significance for Hereditary breast ovarian cancer syndrome. Last evaluated: 2024-11-11. Review status: criteria provided, single submitter. Criteria: Invitae Variant Classification Sherloc (09022015). Collection method: clinical testing. Allele origin: germline.
Comment: This sequence change replaces valine, which is neutral and non-polar, with leucine, which is neutral and non-polar, at codon 464 of the BRCA2 protein (p.Val464Leu). This variant is not present in population databases (gnomAD no frequency). This variant has not been reported in the literature in individuals affected with BRCA2-related conditions. Invitae Evidence Modeling of protein sequence and biophysical properties (such as structural, functional, and spatial information, amino acid conservation, physicochemical variation, residue mobility, and thermodynamic stability) indicates that this missense variant is not expected to disrupt BRCA2 protein function with a negative predictive value of 95%. In summary, the available evidence is currently insufficient to determine the role of this variant in disease. Therefore, it has been classified as a Variant of Uncertain Significance.